The following is an entry in ClinVar:

NM_152564.5(VPS13B):c.4545A>T (p.Thr1515=)

Gene: VPS13B (vacuolar protein sorting 13 homolog B; plus strand). Cytogenetic location: 8q22.2.
Variant type: single nucleotide variant.
Coding change: c.4545A>T on transcript NM_152564.5 (MANE Select); coding-DNA position 4545, A replaced by T.
Protein change: p.Thr1515=; no amino-acid change (threonine 1515 retained).
Molecular consequence: synonymous variant.
Genome position (GRCh38, 1-based): chr8:99,511,424, A>T. VCF-style: chr8-99511424-A-T. GRCh37 (hg19) VCF-style: chr8-100523652-A-T.
Other names: c.4620A>T, p.Thr1540= (NM_017890.5); c.4545A>T (NM_152564.4).
Identifiers: ClinVar variation 1602483 (VCV001602483.9), dbSNP rs763518845, ClinGen allele CA4823549.

ClinVar aggregate classification (germline): Likely benign. Review status: criteria provided, multiple submitters, no conflicts (2 of 4 stars). 2 submissions from 2 submitters: Likely benign (2). Last evaluated 2025-03-26.

Conditions:
VPS13B-related disorder. Also called: VPS13B-related condition.
Cohen syndrome (COH1). Also called: PEPPER SYNDROME; Cutis verticis gyrata, retinitis pigmentosa, and sensorineural deafness. Identifiers: Orphanet 193, MedGen C0265223, MONDO:0008999, OMIM 216550.

Allele frequency attached by ClinVar (database versions not stated): TOPMed below 0.00001; gnomAD 0.00001.
gnomAD v4.1: 2 of 1,613,488 alleles (0.00012%); highest among the groups gnomAD compares: Non-Finnish European, 0.00017%; no homozygotes.

Submissions (2):

PreventionGenetics, part of Exact Sciences
Classification: Likely benign for VPS13B-related condition. Last evaluated: 2025-03-26. Review status: criteria provided, single submitter. Criteria: ACMG Guidelines, 2015. Collection method: clinical testing. Allele origin: germline.
Comment: This variant is classified as likely benign based on ACMG/AMP sequence variant interpretation guidelines (Richards et al. 2015 PMID: 25741868, with internal and published modifications).

Labcorp Genetics (formerly Invitae), Labcorp
Classification: Likely benign for Cohen syndrome. Last evaluated: 2023-05-19. Review status: criteria provided, single submitter. Criteria: Invitae Variant Classification Sherloc (09022015). Collection method: clinical testing. Allele origin: germline.